The following is an entry in ClinVar:

NM_024642.5(GALNT12):c.1744T>C (p.Ter582Arg)

Gene: GALNT12 (polypeptide N-acetylgalactosaminyltransferase 12; plus strand). Cytogenetic location: 9q22.33.
Variant type: single nucleotide variant.
Coding change: c.1744T>C on transcript NM_024642.5 (MANE Select); coding-DNA position 1744, T replaced by C.
Protein change: p.Ter582Arg.
Molecular consequence: stop lost.
Genome position (GRCh38, 1-based): chr9:98,849,090, T>C. VCF-style: chr9-98849090-T-C. GRCh37 (hg19) VCF-style: chr9-101611372-T-C.
Other names: c.1744T>C (NM_024642.4).
Identifiers: ClinVar variation 1415590 (VCV001415590.10), dbSNP rs2118524217, ClinGen allele CA374223431.
Genomic context (GRCh38, chr9:98,849,090, plus strand): 5'-CTCTTACGAGACTGCACCAACTCGGATCATCAGAAATGGTTCTTCAAAGAGCGCATGTTA[T>C]GAAGCCTCGTGTATCAAGGAGCCCATCGAAGGAGACTGTGGAGCCAGGACTCTGCCCAAC-3'

ClinVar aggregate classification (germline): Uncertain significance. Review status: criteria provided, multiple submitters, no conflicts (2 of 4 stars). 3 submissions from 3 submitters: Uncertain significance (3). Last evaluated 2023-06-14.

Allele frequency attached by ClinVar (database versions not stated): gnomAD exomes 0.00001.
gnomAD v4.1: 15 of 1,614,210 alleles (0.00093%); highest among the groups gnomAD compares: Non-Finnish European, 0.0013%; no homozygotes.

Submissions (3):

Ambry Genetics
Classification: Uncertain significance. Last evaluated: 2023-06-14. Review status: criteria provided, single submitter. Criteria: Ambry Variant Classification Scheme 2023. Collection method: clinical testing. Allele origin: germline.
Comment: The c.1744T>C variant (also known as p.*582Rext*24), located in coding exon 10 of the GALNT12 gene, results from a T to C substitution at nucleotide position 1744, which is the last nucleotide of the GALNT12 gene. The stop codon at position 582 is replaced by Arginine, resulting in an elongation of the protein by 24 amino acids. The exact functional effect of the additional amino acids is unknown. The evidence for this gene-disease relationship is limited; therefore, the clinical significance of this alteration is unclear.

Quest Diagnostics Nichols Institute San Juan Capistrano
Classification: Uncertain significance. Last evaluated: 2023-05-26. Review status: criteria provided, single submitter. Criteria: Quest Diagnostics criteria. Collection method: clinical testing. Allele origin: unknown.
Comment: This variant has not been reported in the published literature. It also has not been reported in large, multi-ethnic general populations (Genome Aggregation Database). Based on the available information, we are unable to determine the clinical significance of this variant.

Labcorp Genetics (formerly Invitae), Labcorp
Classification: Uncertain significance. Last evaluated: 2023-05-24. Review status: criteria provided, single submitter. Criteria: Invitae Variant Classification Sherloc (09022015). Collection method: clinical testing. Allele origin: germline.
Comment: In summary, the available evidence is currently insufficient to determine the role of this variant in disease. Therefore, it has been classified as a Variant of Uncertain Significance. ClinVar contains an entry for this variant (Variation ID: 1415590). This variant has not been reported in the literature in individuals affected with GALNT12-related conditions. This variant is not present in population databases (gnomAD no frequency). This sequence change disrupts the translational stop signal of the GALNT12 mRNA. It is expected to extend the length of the GALNT12 protein by 24 additional amino acid residues.